The following is an entry in ClinVar:

NM_005876.5(SPEG):c.7200C>A (p.Val2400=)

Genes: ASIC4-AS1 (ASIC4 antisense RNA 1; minus strand), SPEG (striated muscle enriched protein kinase; plus strand). Cytogenetic location: 2q35.
Variant type: single nucleotide variant.
Coding change: c.7200C>A on transcript NM_005876.5 (MANE Select); coding-DNA position 7200, C replaced by A.
Protein change: p.Val2400=; no amino-acid change (valine 2400 retained).
Molecular consequence: synonymous variant.
Genome position (GRCh38, 1-based): chr2:219,484,663, C>A. VCF-style: chr2-219484663-C-A. GRCh37 (hg19) VCF-style: chr2-220349385-C-A.
Identifiers: ClinVar variation 710316 (VCV000710316.45), dbSNP rs62191887, ClinGen allele CA2127190.

ClinVar aggregate classification (germline): Benign/Likely benign. Review status: criteria provided, multiple submitters, no conflicts (2 of 4 stars). 4 submissions from 4 submitters: Benign (1); Likely benign (3). Last evaluated 2026-09-01.

Allele frequency attached by ClinVar (database versions not stated): 1000 Genomes Project 0.00060; 1000 Genomes Project 30x 0.00141; ESP Exome Variant Server 0.00465; TOPMed 0.00595; gnomAD 0.00942.
gnomAD v4.1: 13,415 of 1,529,802 alleles (0.88%); highest among the groups gnomAD compares: Non-Finnish European, 0.99%; 77 homozygotes.

Submissions (5):

CeGaT Center for Human Genetics Tuebingen
Classification: Likely benign. Last evaluated: 2026-09-01. Review status: criteria provided, single submitter. Criteria: CeGaT Center For Human Genetics Tuebingen Variant Classification Criteria Version 2. Collection method: clinical testing. Allele origin: germline. Affected: yes. Observed: 29 variant alleles.
Comment: SPEG: BP4, BP7, BS2

Labcorp Genetics (formerly Invitae), Labcorp
Classification: Benign. Last evaluated: 2026-02-03. Review status: criteria provided, single submitter. Criteria: Invitae Variant Classification Sherloc (09022015). Collection method: clinical testing. Allele origin: germline.

Blueprint Genetics
Classification: Likely benign. Last evaluated: 2024-11-26. Review status: criteria provided, single submitter. Criteria: ACMG Guidelines, 2015. Collection method: clinical testing. Allele origin: germline.

Breakthrough Genomics
Classification: Likely benign. Review status: criteria provided, single submitter. Criteria: ACMG Guidelines, 2015. Collection method: not provided. Allele origin: germline. Inheritance: Autosomal recessive inheritance. Affected: yes.

Dr. Peter K. Rogan Lab, Western University
No classification provided (evidence only). Condition: Malignant tumor of urinary bladder. Review status: no classification provided. Collection method: in vitro. Allele origin: not applicable. Functional consequence: retained intron. Not counted in ClinVar's aggregate classification.